The following is an entry in ClinVar:

ClinVar aggregate classification (germline): Uncertain significance (1 of 4 stars; one submission).

Conditions:
Joubert syndrome 21 (JBTS21). Identifiers: MedGen C3810212, MONDO:0014288, OMIM 615636.

Allele frequency attached by ClinVar (database versions not stated): gnomAD exomes below 0.00001.
gnomAD v4.1: 1 of 1,592,014 alleles (0.000063%); highest among the groups gnomAD compares: Admixed American, 0.0017%; no homozygotes.

Submission:

Labcorp Genetics (formerly Invitae), Labcorp
Classification: Uncertain significance for Joubert syndrome 21. Last evaluated: 2022-05-29. Review status: criteria provided, single submitter. Criteria: Invitae Variant Classification Sherloc (09022015). Collection method: clinical testing. Allele origin: germline.
Comment: This sequence change replaces alanine, which is neutral and non-polar, with threonine, which is neutral and polar, at codon 360 of the CSPP1 protein (p.Ala360Thr). In summary, the available evidence is currently insufficient to determine the role of this variant in disease. Therefore, it has been classified as a Variant of Uncertain Significance. This variant has not been reported in the literature in individuals affected with CSPP1-related conditions. This variant is present in population databases (no rsID available, gnomAD 0.003%). Algorithms developed to predict the effect of missense changes on protein structure and function output the following: SIFT: "Tolerated"; PolyPhen-2: "Benign"; Align-GVGD: "Class C0". The threonine amino acid residue is found in multiple mammalian species, which suggests that this missense change does not adversely affect protein function.

NM_001382391.1(CSPP1):c.1051G>A (p.Ala351Thr)

Gene: CSPP1 (centrosome and spindle pole associated protein 1; plus strand). Cytogenetic location: 8q13.2.
Variant type: single nucleotide variant.
Coding change: c.1051G>A on transcript NM_001382391.1 (MANE Select); coding-DNA position 1051, G replaced by A.
Protein change: p.Ala351Thr; replaces alanine 351 with threonine.
Molecular consequence: missense variant.
Genome position (GRCh38, 1-based): chr8:67,105,933, G>A. VCF-style: chr8-67105933-G-A. GRCh37 (hg19) VCF-style: chr8-68018168-G-A.
Other names: c.196G>A, p.Ala66Thr (NM_001291339.2); c.970G>A, p.Ala324Thr (NM_001363131.2, NM_001363133.2); c.1051G>A, p.Ala351Thr (NM_001363132.2); c.1159G>A, p.Ala387Thr (NM_001364869.1); c.979G>A, p.Ala327Thr (NM_001364870.1); c.1078G>A, p.Ala360Thr (NM_024790.7); short protein forms A327T, A324T, A351T, A66T, A360T, A387T.
Identifiers: ClinVar variation 2101174 (VCV002101174.4), dbSNP rs763342701, ClinGen allele CA371194513.